The following is an entry in ClinVar:

NM_001478.5(B4GALNT1):c.14G>A (p.Arg5His)

Gene: B4GALNT1 (beta-1,4-N-acetyl-galactosaminyltransferase 1; minus strand). Cytogenetic location: 12q13.3.
Variant type: single nucleotide variant.
Coding change: c.14G>A on transcript NM_001478.5 (MANE Select); coding-DNA position 14, G replaced by A.
Protein change: p.Arg5His; replaces arginine 5 with histidine.
Molecular consequence: missense variant.
Genome position (GRCh38, 1-based): chr12:57,632,119, C>T on the plus strand (G>A on the coding strand, the complement: B4GALNT1 is on the minus strand). VCF-style: chr12-57632119-C-T. GRCh37 (hg19) VCF-style: chr12-58025902-C-T.
Other names: c.14G>A, p.Arg5His (NM_001276468.2, NM_001276469.2, NM_001413967.1 and 11 more transcripts); c.-890G>A (NM_001413981.1, NM_001413982.1, NM_001413983.1 and 1 more transcripts); short protein forms R5H.
Identifiers: ClinVar variation 1985466 (VCV001985466.4), dbSNP rs1379563517, ClinGen allele CA385503564.

ClinVar aggregate classification (germline): Uncertain significance (1 of 4 stars; one submission).

Conditions:
Spastic paraplegia. Identifiers: MedGen C0037772, HP:0001258.

Submission:

Labcorp Genetics (formerly Invitae), Labcorp
Classification: Uncertain significance for Spastic paraplegia. Last evaluated: 2022-06-23. Review status: criteria provided, single submitter. Criteria: Invitae Variant Classification Sherloc (09022015). Collection method: clinical testing. Allele origin: germline.
Comment: In summary, the available evidence is currently insufficient to determine the role of this variant in disease. Therefore, it has been classified as a Variant of Uncertain Significance. Algorithms developed to predict the effect of missense changes on protein structure and function are either unavailable or do not agree on the potential impact of this missense change (SIFT: "Deleterious"; PolyPhen-2: "Not Available"; Align-GVGD: "Class C0"). This variant has not been reported in the literature in individuals affected with B4GALNT1-related conditions. This variant is not present in population databases (gnomAD no frequency). This sequence change replaces arginine, which is basic and polar, with histidine, which is basic and polar, at codon 5 of the B4GALNT1 protein (p.Arg5His).